The following is an entry in ClinVar:

NM_000353.3(TAT):c.[1085G>T;912+2T>G]

Variant type: Haplotype.
Identifiers: ClinVar variation 405 (VCV000000405.1).

ClinVar aggregate classification (germline): Pathogenic (0 of 4 stars; one submission).

Conditions:
Tyrosinemia type II (TYRSN2). Also called: KERATOSIS PALMOPLANTARIS WITH CORNEAL DYSTROPHY; OREGON TYPE TYROSINEMIA; TAT DEFICIENCY; TYROSINE AMINOTRANSFERASE DEFICIENCY; TYROSINE TRANSAMINASE DEFICIENCY. Identifiers: Orphanet 28378, MedGen C0268487, MONDO:0010160, OMIM 276600.

Submission:

OMIM
Classification: Pathogenic for TYROSINEMIA, TYPE II. Last evaluated: 1992-10-01. Review status: no assertion criteria provided. Collection method: literature only. Allele origin: germline.

Literature cited by the submitters: PubMed 1357662.